The following is an entry in ClinVar:

NM_032888.4(COL27A1):c.62+5G>C

Gene: COL27A1 (collagen type XXVII alpha 1 chain; plus strand). Cytogenetic location: 9q32.
Variant type: single nucleotide variant.
Coding change: c.62+5G>C on transcript NM_032888.4 (MANE Select); 5 bases into the intron after coding-DNA position 62, G replaced by C.
Molecular consequence: intron variant.
Genome position (GRCh38, 1-based): chr9:114,156,017, G>C. VCF-style: chr9-114156017-G-C. GRCh37 (hg19) VCF-style: chr9-116918297-G-C.
Identifiers: ClinVar variation 1391768 (VCV001391768.3), dbSNP rs2134976265, ClinGen allele CA2501280602.

ClinVar aggregate classification (germline): Uncertain significance (1 of 4 stars; one submission).

Submission:

Labcorp Genetics (formerly Invitae), Labcorp
Classification: Uncertain significance. Last evaluated: 2021-09-17. Review status: criteria provided, single submitter. Criteria: Invitae Variant Classification Sherloc (09022015). Collection method: clinical testing. Allele origin: germline.
Comment: This sequence change falls in intron 1 of the COL27A1 gene. It does not directly change the encoded amino acid sequence of the COL27A1 protein. It affects a nucleotide within the consensus splice site of the intron. This variant is not present in population databases (ExAC no frequency). This variant has not been reported in the literature in individuals with COL27A1-related conditions. Nucleotide substitutions within the consensus splice site are a relatively common cause of aberrant splicing (PMID: 17576681, 9536098). Algorithms developed to predict the effect of sequence changes on RNA splicing suggest that this variant may disrupt the consensus splice site, but this prediction has not been confirmed by published transcriptional studies. In summary, the available evidence is currently insufficient to determine the role of this variant in disease. Therefore, it has been classified as a Variant of Uncertain Significance.

Literature cited by the submitters: PubMed 17576681; PubMed 9536098.